The following is an entry in ClinVar:

ClinVar aggregate classification (germline): Conflicting classifications of pathogenicity. Review status: criteria provided, conflicting classifications (1 of 4 stars). 5 submissions from 5 submitters: Uncertain significance (4); Likely benign (1). Last evaluated 2025-12-24.

Conditions:
Hereditary cancer-predisposing syndrome. Also called: Neoplastic Syndromes, Hereditary; Tumor predisposition; Hereditary Cancer Syndrome; Hereditary neoplastic syndrome. Identifiers: Orphanet 140162, MedGen C0027672, MeSH D009386, MONDO:0015356.

Allele frequency attached by ClinVar (database versions not stated): gnomAD exomes 0.00002 and 0.00009; gnomAD 0.00003; TOPMed 0.00006; ExAC 0.00011; 1000 Genomes Project 0.00020; 1000 Genomes Project 30x 0.00031.
gnomAD v4.1: 41 of 1,614,112 alleles (0.0025%); highest among the groups gnomAD compares: Admixed American, 0.02%; no homozygotes.

Submissions (5):

Labcorp Genetics (formerly Invitae), Labcorp
Classification: Uncertain significance. Last evaluated: 2025-12-24. Review status: criteria provided, single submitter. Criteria: Invitae Variant Classification Sherloc (09022015). Collection method: clinical testing. Allele origin: germline.
Comment: This sequence change replaces valine, which is neutral and non-polar, with isoleucine, which is neutral and non-polar, at codon 613 of the POLE protein (p.Val613Ile). This variant is present in population databases (rs200471266, gnomAD 0.03%). This variant has not been reported in the literature in individuals affected with POLE-related conditions. ClinVar contains an entry for this variant (Variation ID: 473490). Invitae Evidence Modeling of protein sequence and biophysical properties (such as structural, functional, and spatial information, amino acid conservation, physicochemical variation, residue mobility, and thermodynamic stability) indicates that this missense variant is not expected to disrupt POLE protein function with a negative predictive value of 80%. In summary, the available evidence is currently insufficient to determine the role of this variant in disease. Therefore, it has been classified as a Variant of Uncertain Significance.

Center for Genomic Medicine, Rigshospitalet, Copenhagen University Hospital
Classification: Uncertain significance. Last evaluated: 2025-03-04. Review status: criteria provided, single submitter. Criteria: ACMG Guidelines, 2015. Collection method: clinical testing. Allele origin: germline.

Ambry Genetics
Classification: Likely benign for Hereditary cancer-predisposing syndrome. Last evaluated: 2024-10-17. Review status: criteria provided, single submitter. Criteria: Ambry Variant Classification Scheme 2023. Collection method: clinical testing. Allele origin: germline.

GeneDx
Classification: Uncertain significance. Last evaluated: 2023-07-06. Review status: criteria provided, single submitter. Criteria: GeneDx Variant Classification Process June 2021. Collection method: clinical testing. Allele origin: germline. Affected: yes.
Comment: In silico analysis supports that this missense variant does not alter protein structure/function; Has not been previously published as pathogenic or benign to our knowledge

Institute for Clinical Genetics, University Hospital TU Dresden, University Hospital TU Dresden
Classification: Uncertain significance. Last evaluated: 2021-11-03. Review status: criteria provided, single submitter. Criteria: ACMG Guidelines, 2015. Collection method: clinical testing. Allele origin: germline.

NM_006231.4(POLE):c.1837G>A (p.Val613Ile)

Gene: POLE (DNA polymerase epsilon, catalytic subunit; minus strand). Cytogenetic location: 12q24.33.
Variant type: single nucleotide variant.
Coding change: c.1837G>A on transcript NM_006231.4 (MANE Select); coding-DNA position 1837, G replaced by A.
Protein change: p.Val613Ile; replaces valine 613 with isoleucine.
Molecular consequence: missense variant.
Genome position (GRCh38, 1-based): chr12:132,668,897, C>T on the plus strand (G>A on the coding strand, the complement: POLE is on the minus strand). VCF-style: chr12-132668897-C-T. GRCh37 (hg19) VCF-style: chr12-133245483-C-T.
Other names: c.1837G>A (NM_006231.2); short protein forms V613I.
Identifiers: ClinVar variation 473490 (VCV000473490.18), dbSNP rs200471266, ClinGen allele CA6893801.